The following is an entry in ClinVar:

NM_006070.6(TFG):c.451G>C (p.Asp151His)

Gene: TFG (trafficking from ER to golgi regulator; plus strand). Cytogenetic location: 3q12.2.
Variant type: single nucleotide variant.
Coding change: c.451G>C on transcript NM_006070.6 (MANE Select); coding-DNA position 451, G replaced by C.
Protein change: p.Asp151His; replaces aspartic acid 151 with histidine.
Molecular consequence: missense variant.
Genome position (GRCh38, 1-based): chr3:100,732,543, G>C. VCF-style: chr3-100732543-G-C. GRCh37 (hg19) VCF-style: chr3-100451387-G-C.
Other names: c.451G>C, p.Asp151His (NM_001007565.2, NM_001195478.2, NM_001195479.2); short protein forms D151H.
Identifiers: ClinVar variation 2501480 (VCV002501480.1), dbSNP rs2472108072, ClinGen allele CA353844827.

ClinVar aggregate classification (germline): Uncertain significance (1 of 4 stars; one submission).

Submission:

GeneDx
Classification: Uncertain significance. Last evaluated: 2022-11-03. Review status: criteria provided, single submitter. Criteria: GeneDx Variant Classification Process June 2021. Collection method: clinical testing. Allele origin: germline. Affected: yes.
Comment: Not observed at significant frequency in large population cohorts (gnomAD); In silico analysis supports that this missense variant has a deleterious effect on protein structure/function; Has not been previously published as pathogenic or benign to our knowledge